The following is an entry in ClinVar:

NM_001458.5(FLNC):c.4219G>A (p.Val1407Met)

Gene: FLNC (filamin C; plus strand). Cytogenetic location: 7q32.1.
Variant type: single nucleotide variant.
Coding change: c.4219G>A on transcript NM_001458.5 (MANE Select); coding-DNA position 4219, G replaced by A.
Protein change: p.Val1407Met; replaces valine 1407 with methionine.
Molecular consequence: missense variant.
Genome position (GRCh38, 1-based): chr7:128,846,836, G>A. VCF-style: chr7-128846836-G-A. GRCh37 (hg19) VCF-style: chr7-128486890-G-A.
Other names: c.4219G>A, p.Val1407Met (NM_001127487.2); short protein forms V1407M.
Identifiers: ClinVar variation 571297 (VCV000571297.17), dbSNP rs375366821, ClinGen allele CA4475271.
Genomic context (GRCh38, chr7:128,846,836, plus strand): 5'-ATCGAGGGTCCCTCGGAAGCCAAGATGTCCTGCAAGGACAACAAGGATGGTAGCTGCACC[G>A]TGGAGTACATCCCCTTCACTCCTGGAGACTATGACGTCAACATCACCTTCGGGGGGCGGC-3'
Protein context (NP_001449.3, residues 1397-1417): CKDNKDGSCT[Val1407Met]EYIPFTPGDY

ClinVar aggregate classification (germline): Uncertain significance. Review status: criteria provided, multiple submitters, no conflicts (2 of 4 stars). 4 submissions from 4 submitters: Uncertain significance (4). Last evaluated 2026-01-18.

Conditions:
Myofibrillar myopathy 5. Also called: Filaminopathy (type); FILAMINOPATHY, AUTOSOMAL DOMINANT. Identifiers: Orphanet 171445, MedGen C1836050, MONDO:0012289, OMIM 609524.
Hypertrophic cardiomyopathy 26. Also called: Cardiomyopathy, familial hypertrophic, 26. Identifiers: Orphanet 75249, MedGen C4310749, MONDO:0014883, OMIM 617047.
Distal myopathy with posterior leg and anterior hand involvement. Also called: WILLIAMS DISTAL MYOPATHY. Identifiers: Orphanet 63273, MedGen C3279722, MONDO:0013550, OMIM 614065.
Cardiovascular phenotype. Identifiers: MedGen CN230736.

Allele frequency attached by ClinVar (database versions not stated): gnomAD exomes below 0.00001 and 0.00001; ExAC 0.00002; ESP Exome Variant Server 0.00008.
gnomAD v4.1: 6 of 1,614,230 alleles (0.00037%); highest among the groups gnomAD compares: South Asian, 0.0022%; no homozygotes.

Submissions (4):

Labcorp Genetics (formerly Invitae), Labcorp
Classification: Uncertain significance for Distal myopathy with posterior leg and anterior hand involvement; Myofibrillar myopathy 5; Hypertrophic cardiomyopathy 26. Last evaluated: 2026-01-18. Review status: criteria provided, single submitter. Criteria: Invitae Variant Classification Sherloc (09022015). Collection method: clinical testing. Allele origin: germline.
Comment: This sequence change replaces valine, which is neutral and non-polar, with methionine, which is neutral and non-polar, at codon 1407 of the FLNC protein (p.Val1407Met). This variant is present in population databases (rs375366821, gnomAD 0.002%). This variant has not been reported in the literature in individuals affected with FLNC-related conditions. ClinVar contains an entry for this variant (Variation ID: 571297). Invitae Evidence Modeling of protein sequence and biophysical properties (such as structural, functional, and spatial information, amino acid conservation, physicochemical variation, residue mobility, and thermodynamic stability) has been performed for this missense variant. However, the output from this modeling did not meet the statistical confidence thresholds required to predict the impact of this variant on FLNC protein function. In summary, the available evidence is currently insufficient to determine the role of this variant in disease. Therefore, it has been classified as a Variant of Uncertain Significance.

GeneDx
Classification: Uncertain significance. Last evaluated: 2024-04-26. Review status: criteria provided, single submitter. Criteria: GeneDx Variant Classification Process June 2021. Collection method: clinical testing. Allele origin: germline. Affected: yes.
Comment: Not observed at significant frequency in large population cohorts (gnomAD); In silico analysis supports that this missense variant has a deleterious effect on protein structure/function; Has not been previously published as pathogenic or benign to our knowledge

Blueprint Genetics
Classification: Uncertain significance. Last evaluated: 2024-01-18. Review status: criteria provided, single submitter. Criteria: ACMG Guidelines, 2015. Collection method: clinical testing. Allele origin: germline.

Ambry Genetics
Classification: Uncertain significance for Cardiovascular phenotype. Last evaluated: 2022-06-29. Review status: criteria provided, single submitter. Criteria: Ambry Variant Classification Scheme 2023. Collection method: clinical testing. Allele origin: germline.
Comment: The p.V1407M variant (also known as c.4219G>A), located in coding exon 24 of the FLNC gene, results from a G to A substitution at nucleotide position 4219. The valine at codon 1407 is replaced by methionine, an amino acid with highly similar properties. This amino acid position is highly conserved in available vertebrate species. In addition, this alteration is predicted to be deleterious by in silico analysis. Since supporting evidence is limited at this time, the clinical significance of this alteration remains unclear.